The following is an entry in ClinVar:

NM_005338.7(HIP1):c.3036T>C (p.Ala1012=)

Gene: HIP1 (huntingtin interacting protein 1; minus strand). Cytogenetic location: 7q11.23.
Variant type: single nucleotide variant.
Coding change: c.3036T>C on transcript NM_005338.7 (MANE Select); coding-DNA position 3036, T replaced by C.
Protein change: p.Ala1012=; no amino-acid change (alanine 1012 retained).
Molecular consequence: synonymous variant.
Genome position (GRCh38, 1-based): chr7:75,539,348, A>G on the plus strand (T>C on the coding strand, the complement: HIP1 is on the minus strand). VCF-style: chr7-75539348-A-G. GRCh37 (hg19) VCF-style: chr7-75168668-A-G.
Other names: c.2883T>C, p.Ala961= (NM_001243198.3); c.2934T>C, p.Ala978= (NM_001382444.1); c.2949T>C, p.Ala983= (NM_001382445.1).
Identifiers: ClinVar variation 3035260 (VCV003035260.2), dbSNP rs61737122, ClinGen allele CA4301782.
Genomic context (GRCh38, chr7:75,539,348, plus strand): 5'-CTGCGGGTTAGTGCCCATCCTTGGAGTCAGCTTACCTTCTTCCCAGCCCTCAGCAACACC[A>G]GCAAGCTCGTAGTGCTTTTTCCGAAGCTCTCCCAGTTTTTGACGCTCCTTCTGCAATTCA-3'
Protein context (NP_005329.3, residues 1002-1022): GELRKKHYEL[Ala1012=]GVAEGWEEGT

ClinVar aggregate classification (germline): Likely benign (0 of 4 stars; one submission).

Conditions:
HIP1-related disorder. Also called: HIP1-related condition.

Allele frequency attached by ClinVar (database versions not stated): gnomAD exomes 0.00009; gnomAD 0.00014; ExAC 0.00015; ESP Exome Variant Server 0.00015; TOPMed 0.00025.
gnomAD v4.1: 164 of 1,614,130 alleles (0.01%); highest among the groups gnomAD compares: Middle Eastern, 0.36%; 2 homozygotes.

Submission:

PreventionGenetics, part of Exact Sciences
Classification: Likely benign for HIP1-related condition. Last evaluated: 2019-08-14. Review status: no assertion criteria provided. Collection method: clinical testing. Allele origin: germline.
Comment: This variant is classified as likely benign based on ACMG/AMP sequence variant interpretation guidelines (Richards et al. 2015 PMID: 25741868, with internal and published modifications).